The following is an entry in ClinVar:

NM_000053.4(ATP7B):c.660A>G (p.Gly220=)

Gene: ATP7B (ATPase copper transporting beta; minus strand). Cytogenetic location: 13q14.3.
Variant type: single nucleotide variant.
Coding change: c.660A>G on transcript NM_000053.4 (MANE Select); coding-DNA position 660, A replaced by G.
Protein change: p.Gly220=; no amino-acid change (glycine 220 retained).
Molecular consequence: synonymous variant.
Genome position (GRCh38, 1-based): chr13:51,974,560, T>C on the plus strand (A>G on the coding strand, the complement: ATP7B is on the minus strand). VCF-style: chr13-51974560-T-C. GRCh37 (hg19) VCF-style: chr13-52548696-T-C.
Other names: c.660A>G, p.Gly220= (NM_001330578.2, NM_001330579.2, NM_001406511.1 and 30 more transcripts); c.564A>G, p.Gly188= (NM_001406517.1, NM_001406518.1, NM_001406530.1 and 4 more transcripts).
Identifiers: ClinVar variation 3070648 (VCV003070648.1), dbSNP rs1323828257, ClinGen allele CA484024990.

ClinVar aggregate classification (germline): Likely benign (1 of 4 stars; one submission).

Conditions:
Wilson disease (WND). Also called: Wilson's disease. Identifiers: Orphanet 905, MedGen C0019202, MONDO:0010200, OMIM 277900. Disease mechanism: loss of function.

Allele frequency attached by ClinVar (database versions not stated): gnomAD exomes below 0.00001.
gnomAD v4.1: 2 of 1,614,184 alleles (0.00012%); highest among the groups gnomAD compares: Admixed American, 0.0017%; no homozygotes.

Submission:

All of Us Research Program, National Institutes of Health
Classification: Likely benign for Wilson disease. Last evaluated: 2023-05-04. Review status: criteria provided, single submitter. Criteria: ACMG Guidelines, 2015. Collection method: clinical testing. Allele origin: germline. Inheritance: Autosomal recessive inheritance. Observed: 1 variant allele, 1 heterozygote.
Comment: This study involves interpretation of variants in research participants for the purpose of population health screening. Participant phenotype was not available at the time of variant classification. Additional details can be found in publication PMID: 35346344, PMCID: PMC8962531